The following is an entry in ClinVar:

NM_000543.5(SMPD1):c.862C>T (p.His288Tyr)

Gene: SMPD1 (sphingomyelin phosphodiesterase 1; plus strand). Cytogenetic location: 11p15.4.
Variant type: single nucleotide variant.
Coding change: c.862C>T on transcript NM_000543.5 (MANE Select); coding-DNA position 862, C replaced by T.
Protein change: p.His288Tyr; replaces histidine 288 with tyrosine.
Molecular consequence: missense variant. On other transcripts: 5 prime UTR variant (1), non-coding transcript variant (1).
Genome position (GRCh38, 1-based): chr11:6,391,927, C>T. VCF-style: chr11-6391927-C-T. GRCh37 (hg19) VCF-style: chr11-6413157-C-T.
Other names: c.859C>T, p.His287Tyr (NM_001007593.3); c.862C>T, p.His288Tyr (NM_001318087.2, NM_001365135.2); c.-100C>T (NM_001318088.2); short protein forms H287Y, H288Y.
Identifiers: ClinVar variation 3446418 (VCV003446418.1).

ClinVar aggregate classification (germline): Uncertain significance (1 of 4 stars; one submission).

Conditions:
Inborn genetic diseases. Identifiers: MedGen C0950123, MeSH D030342.

Submission:

Ambry Genetics
Classification: Uncertain significance for Inborn genetic diseases. Last evaluated: 2024-09-30. Review status: criteria provided, single submitter. Criteria: Ambry Variant Classification Scheme 2023. Collection method: clinical testing. Allele origin: germline.
Comment: The p.H288Y variant (also known as c.862C>T), located in coding exon 2 of the SMPD1 gene, results from a C to T substitution at nucleotide position 862. The histidine at codon 288 is replaced by tyrosine, an amino acid with similar properties. This amino acid position is conserved. In addition, this alteration is predicted to be tolerated by in silico analysis. Based on the available evidence, the clinical significance of this variant remains unclear.